The following is an entry in ClinVar:

NM_020699.4(GATAD2B):c.1404_1408dup (p.Gln470fs)

Gene: GATAD2B (GATA zinc finger domain containing 2B; minus strand). Cytogenetic location: 1q21.3.
Variant type: Duplication.
Coding change: c.1404_1408dup on transcript NM_020699.4 (MANE Select); coding-DNA positions 1404 to 1408, 5 bases duplicated (CCTAC; older notation c.1404_1408dupCCTAC).
Protein change: p.Gln470fs; shifts the reading frame from glutamine 470.
Molecular consequence: frameshift variant.
Genome position (GRCh38, 1-based): chr1:153,813,261-153,813,265, GTAGG duplicated on the plus strand (CCTAC on the coding strand, the reverse complement: GATAD2B is on the minus strand); duplicating any 5 consecutive bases within chr1:153,813,261-153,813,266 gives the same sequence; the c. name uses the placement nearest the transcript's 3' end. VCF-style (leftmost placement, unchanged base first): chr1-153813260-T-TGTAGG. GRCh37 (hg19) VCF-style: chr1-153785736-T-TGTAGG.
Other names: short protein forms Q470fs.
Identifiers: ClinVar variation 2839266 (VCV002839266.3), dbSNP rs2525237776, ClinGen allele CA2739275298.

ClinVar aggregate classification (germline): Pathogenic (1 of 4 stars; one submission).

Submission:

Labcorp Genetics (formerly Invitae), Labcorp
Classification: Pathogenic. Last evaluated: 2023-02-21. Review status: criteria provided, single submitter. Criteria: Invitae Variant Classification Sherloc (09022015). Collection method: clinical testing. Allele origin: germline.
Comment: For these reasons, this variant has been classified as Pathogenic. This variant has not been reported in the literature in individuals affected with GATAD2B-related conditions. This variant is not present in population databases (gnomAD no frequency). This sequence change creates a premature translational stop signal (p.Gln470Profs*36) in the GATAD2B gene. It is expected to result in an absent or disrupted protein product. Loss-of-function variants in GATAD2B are known to be pathogenic (PMID: 23033978, 25356899, 27159321).

Literature cited by the submitters: PubMed 23033978; PubMed 25356899; PubMed 27159321.